The following is an entry in ClinVar:

ClinVar aggregate classification (germline): Uncertain significance (1 of 4 stars; one submission).

Conditions:
Dilated cardiomyopathy 1G (CMD1G). Identifiers: Orphanet 154, MedGen C1858763, MONDO:0011400, OMIM 604145.

gnomAD v4.1: 2 of 1,613,754 alleles (0.00012%); highest among the groups gnomAD compares: East Asian, 0.0022%; no homozygotes.

Submission:

Juno Genomics, Hangzhou Juno Genomics, Inc
Classification: Uncertain significance for Dilated cardiomyopathy 1G. Review status: criteria provided, single submitter. Criteria: ACMG Guidelines, 2015. Collection method: clinical testing. Allele origin: germline. Affected: yes.
Comment: Absent from controls (or at extremely low frequency if recessive) in Genome Aggregation Database, Exome Sequencing Project, 1000 Genomes Project, or Exome Aggregation Consortium.;Multiple lines of computational evidence support a deleterious effect on the gene or gene product (conservation, evolutionary, splicing impact, etc).

NM_001267550.2(TTN):c.27292G>A (p.Gly9098Ser)

Gene: TTN (titin; minus strand). Cytogenetic location: 2q31.2.
Variant type: single nucleotide variant.
Coding change: c.27292G>A on transcript NM_001267550.2 (MANE Select); coding-DNA position 27292, G replaced by A.
Protein change: p.Gly9098Ser; replaces glycine 9098 with serine.
Molecular consequence: missense variant. On other transcripts: intron variant (3).
Genome position (GRCh38, 1-based): chr2:178,712,733, C>T on the plus strand (G>A on the coding strand, the complement: TTN is on the minus strand). VCF-style: chr2-178712733-C-T. GRCh37 (hg19) VCF-style: chr2-179577460-C-T.
Other names: c.26341G>A, p.Gly8781Ser (NM_001256850.1); c.23560G>A, p.Gly7854Ser (NM_133378.4); c.13282+25349G>A (NM_003319.4); c.13858+25349G>A (NM_133437.4); c.13657+25349G>A (NM_133432.3); short protein forms G7854S, G8781S, G9098S.
Identifiers: ClinVar variation 3382107 (VCV003382107.2).